The following is an entry in ClinVar:

NM_058216.3(RAD51C):c.874A>G (p.Arg292Gly)

Gene: RAD51C (RAD51 paralog C; plus strand). Cytogenetic location: 17q22.
Variant type: single nucleotide variant.
Coding change: c.874A>G on transcript NM_058216.3 (MANE Select); coding-DNA position 874, A replaced by G.
Protein change: p.Arg292Gly; replaces arginine 292 with glycine.
Molecular consequence: missense variant. On other transcripts: non-coding transcript variant (1).
Genome position (GRCh38, 1-based): chr17:58,720,782, A>G. VCF-style: chr17-58720782-A-G. GRCh37 (hg19) VCF-style: chr17-56798143-A-G.
Other names: short protein forms R292G.
Identifiers: ClinVar variation 581941 (VCV000581941.14), dbSNP rs775208053, ClinGen allele CA8677346.

ClinVar aggregate classification (germline): Conflicting classifications of pathogenicity. Review status: criteria provided, conflicting classifications (1 of 4 stars). 3 submissions from 3 submitters: Uncertain significance (2); Benign (1). Last evaluated 2025-10-28.

Conditions:
Fanconi anemia complementation group O. Also called: RAD51C-Related Fanconi Anemia. Identifiers: Orphanet 84, MedGen C3150653, MONDO:0013248, OMIM 613390.
Hereditary cancer-predisposing syndrome. Also called: Neoplastic Syndromes, Hereditary; Hereditary Cancer Syndrome; Tumor predisposition; Hereditary neoplastic syndrome. Identifiers: Orphanet 140162, MedGen C0027672, MeSH D009386, MONDO:0015356.

Allele frequency attached by ClinVar (database versions not stated): gnomAD exomes below 0.00001; TOPMed below 0.00001; ExAC 0.00001.
gnomAD v4.1: 4 of 1,612,678 alleles (0.00025%); highest among the groups gnomAD compares: Non-Finnish European, 0.00034%; no homozygotes.

Submissions (3):

Ambry Genetics
Classification: Benign for Hereditary cancer-predisposing syndrome. Last evaluated: 2025-10-28. Review status: criteria provided, single submitter. Criteria: Ambry Variant Classification Scheme 2023. Collection method: clinical testing. Allele origin: germline.

Labcorp Genetics (formerly Invitae), Labcorp
Classification: Uncertain significance for Fanconi anemia complementation group O. Last evaluated: 2025-08-20. Review status: criteria provided, single submitter. Criteria: Invitae Variant Classification Sherloc (09022015). Collection method: clinical testing. Allele origin: germline.
Comment: This sequence change replaces arginine, which is basic and polar, with glycine, which is neutral and non-polar, at codon 292 of the RAD51C protein (p.Arg292Gly). This variant is present in population databases (rs775208053, gnomAD 0.0009%). This variant has not been reported in the literature in individuals affected with RAD51C-related conditions. ClinVar contains an entry for this variant (Variation ID: 581941). Invitae Evidence Modeling of protein sequence and biophysical properties (such as structural, functional, and spatial information, amino acid conservation, physicochemical variation, residue mobility, and thermodynamic stability) indicates that this missense variant is not expected to disrupt RAD51C protein function with a negative predictive value of 80%. In summary, the available evidence is currently insufficient to determine the role of this variant in disease. Therefore, it has been classified as a Variant of Uncertain Significance.

Color Diagnostics, LLC DBA Color Health
Classification: Uncertain significance for Hereditary cancer-predisposing syndrome. Last evaluated: 2023-01-30. Review status: criteria provided, single submitter. Criteria: ACMG Guidelines, 2015. Collection method: clinical testing. Allele origin: germline.
Comment: This missense variant replaces arginine with glycine at codon 292 of the RAD51C protein. Computational prediction suggests that this variant may not impact protein structure and function (internally defined REVEL score threshold <= 0.5, PMID: 27666373). To our knowledge, functional studies have not been reported for this variant. This variant has not been reported in individuals affected with RAD51C-related disorders in the literature. This variant has been identified in 1/251148 chromosomes in the general population by the Genome Aggregation Database (gnomAD). The available evidence is insufficient to determine the role of this variant in disease conclusively. Therefore, this variant is classified as a Variant of Uncertain Significance.